The following is an entry in ClinVar:

ClinVar aggregate classification (germline): Likely benign (1 of 4 stars; one submission).

Submission:

CeGaT Center for Human Genetics Tuebingen
Classification: Likely benign. Last evaluated: 2024-09-01. Review status: criteria provided, single submitter. Criteria: CeGaT Center For Human Genetics Tuebingen Variant Classification Criteria Version 2. Collection method: clinical testing. Allele origin: germline. Affected: yes. Observed: 1 variant allele.
Comment: GOLGA8J: BP4, BP7

NM_001282472.2(GOLGA8J):c.1422G>A (p.Lys474=)

Gene: GOLGA8J (golgin A8 family member J; plus strand). Cytogenetic location: 15q13.2.
Variant type: single nucleotide variant.
Coding change: c.1422G>A on transcript NM_001282472.2 (MANE Select); coding-DNA position 1422, G replaced by A.
Protein change: p.Lys474=; no amino-acid change (lysine 474 retained).
Molecular consequence: synonymous variant.
Genome position (GRCh38, 1-based): chr15:30,092,761, G>A. VCF-style: chr15-30092761-G-A. GRCh37 (hg19) VCF-style: chr15-30384964-G-A.
Identifiers: ClinVar variation 3388603 (VCV003388603.14).